The following is an entry in ClinVar:

ClinVar aggregate classification (germline): Conflicting classifications of pathogenicity. Review status: criteria provided, conflicting classifications (1 of 4 stars). 3 submissions from 3 submitters: Uncertain significance (1); Likely benign (1). 1 of the submissions does not count toward it. Last evaluated 2023-11-27.

Conditions:
Inborn genetic diseases. Identifiers: MedGen C0950123, MeSH D030342.
MTOR-related disorder. Also called: MTOR-related condition.

Allele frequency attached by ClinVar (database versions not stated): TOPMed below 0.00001; gnomAD 0.00001; gnomAD exomes 0.00003.
gnomAD v4.1: 40 of 1,609,780 alleles (0.0025%); highest among the groups gnomAD compares: Non-Finnish European, 0.0032%; no homozygotes.

Submissions (3):

Labcorp Genetics (formerly Invitae), Labcorp
Classification: Likely benign. Last evaluated: 2023-11-27. Review status: criteria provided, single submitter. Criteria: Invitae Variant Classification Sherloc (09022015). Collection method: clinical testing. Allele origin: germline.

Ambry Genetics
Classification: Uncertain significance for Inborn genetic diseases. Last evaluated: 2021-03-07. Review status: criteria provided, single submitter. Criteria: Ambry Variant Classification Scheme 2023. Collection method: clinical testing. Allele origin: germline.
Comment: The c.4254-5C>A intronic alteration consists of a C to A substitution 5 nucleotides before coding exon 28 in the MTOR gene. Based on insufficient or conflicting evidence, the clinical significance of this alteration remains unclear.

PreventionGenetics, part of Exact Sciences
Classification: Uncertain significance for MTOR-related condition. Last evaluated: 2024-07-09. Review status: no assertion criteria provided. Collection method: clinical testing. Allele origin: germline. Not counted in ClinVar's aggregate classification.
Comment: The MTOR c.4254-5C>A variant is predicted to interfere with splicing. This variant is predicted to possibly weaken the canonical acceptor splice site (SpliceAI, Jaganathan K, et al. 2019. PubMed ID: 30661751). To our knowledge, this variant has not been reported in the literature or in a large population database, indicating this variant is rare. At this time, the clinical significance of this variant is uncertain due to the absence of conclusive functional and genetic evidence.

NM_004958.4(MTOR):c.4254-5C>A

Gene: MTOR (mechanistic target of rapamycin kinase; minus strand). Cytogenetic location: 1p36.22.
Variant type: single nucleotide variant.
Coding change: c.4254-5C>A on transcript NM_004958.4 (MANE Select); 5 bases into the intron before coding-DNA position 4254, C replaced by A.
Molecular consequence: intron variant.
Genome position (GRCh38, 1-based): chr1:11,167,522, G>T on the plus strand (C>A on the coding strand, the complement: MTOR is on the minus strand). VCF-style: chr1-11167522-G-T. GRCh37 (hg19) VCF-style: chr1-11227579-G-T.
Other names: c.3006-5C>A (NM_001386501.1); c.4254-5C>A (NM_001386500.1, NM_004958.3).
Identifiers: ClinVar variation 1646881 (VCV001646881.10), dbSNP rs201737471, ClinGen allele CA17919725.